The following is an entry in ClinVar:

ClinVar aggregate classification (germline): Likely benign. Review status: criteria provided, multiple submitters, no conflicts (2 of 4 stars). 2 submissions from 2 submitters: Likely benign (2). Last evaluated 2025-04-28.

Conditions:
Jeune thoracic dystrophy. Also called: Jeune syndrome; Infantile thoracic dystrophy; Thoracic pelvic phalangeal dystrophy; Jeune's syndrome; Chondroectodermal dysplasia-like syndrome; Short-rib thoracic dysplasia. Identifiers: Orphanet 474, MedGen C0265275, MONDO:0018770.
Nephronophthisis. Also called: Juvenile Nephronophthisis. Identifiers: Orphanet 655, MedGen C0687120, MONDO:0019005, HP:0000090.
TTC21B-related disorder. Also called: TTC21B-related condition; TTC21B-related disorders.

Submissions (2):

PreventionGenetics, part of Exact Sciences
Classification: Likely benign for TTC21B-related condition. Last evaluated: 2025-04-28. Review status: criteria provided, single submitter. Criteria: ACMG Guidelines, 2015. Collection method: clinical testing. Allele origin: germline.
Comment: This variant is classified as likely benign based on ACMG/AMP sequence variant interpretation guidelines (Richards et al. 2015 PMID: 25741868, with internal and published modifications).

Labcorp Genetics (formerly Invitae), Labcorp
Classification: Likely benign for Jeune thoracic dystrophy; Nephronophthisis. Last evaluated: 2023-04-22. Review status: criteria provided, single submitter. Criteria: Invitae Variant Classification Sherloc (09022015). Collection method: clinical testing. Allele origin: germline.

NM_024753.5(TTC21B):c.99T>C (p.Tyr33=)

Gene: TTC21B (tetratricopeptide repeat domain 21B; minus strand). Cytogenetic location: 2q24.3.
Variant type: single nucleotide variant.
Coding change: c.99T>C on transcript NM_024753.5 (MANE Select); coding-DNA position 99, T replaced by C.
Protein change: p.Tyr33=; no amino-acid change (tyrosine 33 retained).
Molecular consequence: synonymous variant.
Genome position (GRCh38, 1-based): chr2:165,949,647, A>G on the plus strand (T>C on the coding strand, the complement: TTC21B is on the minus strand). VCF-style: chr2-165949647-A-G. GRCh37 (hg19) VCF-style: chr2-166806157-A-G.
Other names: c.99T>C (NM_024753.4).
Identifiers: ClinVar variation 2940044 (VCV002940044.4), dbSNP rs2468255091, ClinGen allele CA429974742.